The following is an entry in ClinVar:

ClinVar aggregate classification (germline): Conflicting classifications of pathogenicity. Review status: criteria provided, conflicting classifications (1 of 4 stars). 2 submissions from 2 submitters: Uncertain significance (1); Likely benign (1). Last evaluated 2022-05-27.

Conditions:
Mitochondrial DNA depletion syndrome 13. Also called: FBXL4-Related Encephalomyopathic Mitochondrial DNA Depletion Syndrome; Mitochondrial DNA depletion syndrome 13 (encephalomyopathic type). Identifiers: Orphanet 369897, MedGen C3809592, MONDO:0014198, OMIM 615471.

Allele frequency attached by ClinVar (database versions not stated): gnomAD 0.00001; TOPMed 0.00001; ExAC 0.00002; gnomAD exomes 0.00002; ESP Exome Variant Server 0.00008.
gnomAD v4.1: 26 of 1,613,946 alleles (0.0016%); highest among the groups gnomAD compares: Non-Finnish European, 0.0021%; no homozygotes.

Submissions (2):

Labcorp Genetics (formerly Invitae), Labcorp
Classification: Likely benign. Last evaluated: 2022-05-27. Review status: criteria provided, single submitter. Criteria: Invitae Variant Classification Sherloc (09022015). Collection method: clinical testing. Allele origin: germline.

Wong Mito Lab, Molecular and Human Genetics, Baylor College of Medicine
Classification: Uncertain significance for Mitochondrial DNA depletion syndrome 13. Last evaluated: 2017-08-10. Review status: criteria provided, single submitter. Criteria: ACMG Guidelines, 2015. Collection method: reference population. Allele origin: germline.
Comment: The NM_012160.4:c.744T>C (NP_036292.2:p.Asp248=) [GRCH38: NC_000006.12:g.98917488A>G] variant in FBXL4 gene is interpretated to be a Uncertain Significance - Conflicting Evidence based on ACMG guidelines (PMID: 25741868). This variant meets one or more of the following evidence codes reported in the ACMG-guideline. PM2:This variant is absent in key population databases. BP4:Computational evidence/predictors indicate no impact on the FBXL4 structure, function, or protein-protein interaction. BP7:The variant is silent with non predicted splice impact. Based on this evidence code ClinGen Pathogenicity Calculator (PMID:28081714) suggested that the variant is Uncertain Significance - Conflicting Evidence.

NM_001278716.2(FBXL4):c.744T>C (p.Asp248=)

Gene: FBXL4 (F-box and leucine rich repeat protein 4; minus strand). Cytogenetic location: 6q16.2.
Variant type: single nucleotide variant.
Coding change: c.744T>C on transcript NM_001278716.2 (MANE Select); coding-DNA position 744, T replaced by C.
Protein change: p.Asp248=; no amino-acid change (aspartic acid 248 retained).
Molecular consequence: synonymous variant.
Genome position (GRCh38, 1-based): chr6:98,917,488, A>G on the plus strand (T>C on the coding strand, the complement: FBXL4 is on the minus strand). VCF-style: chr6-98917488-A-G. GRCh37 (hg19) VCF-style: chr6-99365364-A-G.
Other names: c.744T>C, p.Asp248= (NM_012160.5).
Identifiers: ClinVar variation 437627 (VCV000437627.7), dbSNP rs149549442, ClinGen allele CA3933625.
Genomic context (GRCh38, chr6:98,917,488, plus strand): 5'-ACTGCTAAACTTTTTGTTAAGACTGTCCATTCCACAACCATCCTTTTCTGCATAGGCATC[A>G]TCTTCTATATCATTCATGTCAATAAGTGAAGTCTTGAGAGAAAGCACTGGCTTGTCCTTC-3'
Protein context (NP_001265645.1, residues 238-258): TSLIDMNDIE[Asp248=]DAYAEKDGCG